The following is an entry in ClinVar:

ClinVar aggregate classification (germline): Uncertain significance. Review status: criteria provided, multiple submitters, no conflicts (2 of 4 stars). 3 submissions from 3 submitters: Uncertain significance (3). Last evaluated 2026-01-24.

Conditions:
Amelogenesis imperfecta (AI). Also called: Congenital enamel hypoplasia. Identifiers: Orphanet 88661, MedGen C0002452, MONDO:0019507, HP:0000705.

Allele frequency attached by ClinVar (database versions not stated): gnomAD 0.00007 and 0.00010; TOPMed 0.00011; 1000 Genomes Project 0.00020; ESP Exome Variant Server 0.00031; gnomAD exomes 0.00034; ExAC 0.00038; 1000 Genomes Project 30x 0.00047.
gnomAD v4.1: 354 of 1,613,940 alleles (0.022%); highest among the groups gnomAD compares: South Asian, 0.17%; 2 homozygotes.

Submissions (3):

GeneDx
Classification: Uncertain significance. Last evaluated: 2026-01-24. Review status: criteria provided, single submitter. Criteria: GeneDx Variant Classification Process June 2021. Collection method: clinical testing. Allele origin: germline.
Comment: In silico analysis suggests that this missense variant does not alter protein structure/function; Has not been previously published as pathogenic or benign to our knowledge

Illumina Laboratory Services, Illumina
Classification: Uncertain significance for Amelogenesis imperfecta. Last evaluated: 2018-01-12. Review status: criteria provided, single submitter. Criteria: ICSL Variant Classification Criteria 13 December 2019. Collection method: clinical testing. Allele origin: germline.

Breakthrough Genomics
Classification: Uncertain significance. Review status: criteria provided, single submitter. Criteria: ACMG Guidelines, 2015. Collection method: not provided. Allele origin: germline. Inheritance: Autosomal recessive inheritance. Affected: yes.

NM_031889.3(ENAM):c.1656C>G (p.Ile552Met)

Gene: ENAM (enamelin; plus strand). Cytogenetic location: 4q13.3.
Variant type: single nucleotide variant.
Coding change: c.1656C>G on transcript NM_031889.3 (MANE Select); coding-DNA position 1656, C replaced by G.
Protein change: p.Ile552Met; replaces isoleucine 552 with methionine.
Molecular consequence: missense variant.
Genome position (GRCh38, 1-based): chr4:70,643,082, C>G. VCF-style: chr4-70643082-C-G. GRCh37 (hg19) VCF-style: chr4-71508799-C-G.
Other names: c.1002C>G, p.Ile334Met (NM_001368133.1); short protein forms I334M, I552M.
Identifiers: ClinVar variation 904990 (VCV000904990.6), dbSNP rs145361338, ClinGen allele CA2952155.